The following is an entry in ClinVar:

ClinVar aggregate classification (germline): Pathogenic. Review status: criteria provided, multiple submitters, no conflicts (2 of 4 stars). 15 submissions from 15 submitters: Pathogenic (14). 1 of the submissions does not count toward it. Last evaluated 2025-08-21.

Conditions:
Spastic ataxia. Identifiers: Orphanet 316226, MedGen C1849156, MONDO:0017845, HP:0002497.
Inborn genetic diseases. Identifiers: MedGen C0950123, MeSH D030342.
Wilson disease (WND). Also called: Wilson's disease. Identifiers: Orphanet 905, MedGen C0019202, MONDO:0010200, OMIM 277900. Disease mechanism: loss of function.

Submissions (15):

Natera, Inc.
Classification: Pathogenic for Wilson disease. Last evaluated: 2025-08-21. Review status: criteria provided, single submitter. Criteria: Natera Variant Classification Schema (03/2026). Collection method: clinical testing. Allele origin: germline.
Comment: The c.1745_1746delTA variant in ATP7B is a frameshift variant predicted to shift the reading frame beginning at codon 582 and leads to a stop codon 25 codons downstream. This variant is expected to result in nonsense mediated decay, truncation, or a dysfunctional protein product. This variant is rare in the general population with a frequency below the threshold expected for the associated phenotype(s). This variant has been observed in one or more individuals affected with the associated recessive disease, as either homozygous or compound heterozygous with a second variant (PMID: 23518715). Given the available evidence, this variant is classified as Pathogenic.

Labcorp Genetics (formerly Invitae), Labcorp
Classification: Pathogenic for Wilson disease. Last evaluated: 2025-07-31. Review status: criteria provided, single submitter. Criteria: Invitae Variant Classification Sherloc (09022015). Collection method: clinical testing. Allele origin: germline.
Comment: This sequence change creates a premature translational stop signal (p.Ile582Argfs*25) in the ATP7B gene. It is expected to result in an absent or disrupted protein product. Loss-of-function variants in ATP7B are known to be pathogenic (PMID: 10441329, 16283883). This variant is present in population databases (rs753962912, gnomAD 0.005%). This premature translational stop signal has been observed in individuals with Wilson disease (PMID: 17317524, 17949296, 23518715, 27398169). ClinVar contains an entry for this variant (Variation ID: 189112). For these reasons, this variant has been classified as Pathogenic.

All of Us Research Program, National Institutes of Health
Classification: Pathogenic for Wilson disease. Last evaluated: 2024-07-10. Review status: criteria provided, single submitter. Criteria: ACMG Guidelines, 2015. Collection method: clinical testing. Allele origin: germline. Inheritance: Autosomal recessive inheritance. Observed: 4 variant alleles, 4 heterozygotes.
Comment: This variant deletes 2 nucleotides in exon 5 of the ATP7B gene, creating a frameshift and premature translation stop signal. This variant is expected to result in an absent or non-functional protein product. This variant has been reported in individuals affected with Wilson disease (PMID: 17317524, 23518715, 27398169, 34240825, 34400371, 34470610; DOI:10.1134/S1022795419120020). In a family described by Coffey et al, 2013, this variant was found in the compound heterozygous state in a father affected with Wilson disease and an unaffected mother who carried a different variant (p.Val1234Phe). This variant has been identified in 6/280960 chromosomes in the general population by the Genome Aggregation Database (gnomAD). Loss of ATP7B function is a known mechanism of disease. Based on the available evidence, this variant is classified as Pathogenic.

This study involves interpretation of variants in research participants for the purpose of population health screening. Participant phenotype was not available at the time of variant classification. Additional details can be found in publication PMID: 35346344, PMCID: PMC8962531

Color Diagnostics, LLC DBA Color Health
Classification: Pathogenic for Wilson disease. Last evaluated: 2024-03-06. Review status: criteria provided, single submitter. Criteria: ACMG Guidelines, 2015. Collection method: clinical testing. Allele origin: germline.
Comment: This variant deletes 2 nucleotides in exon 5 of the ATP7B gene, creating a frameshift and premature translation stop signal. This variant is expected to result in an absent or non-functional protein product. This variant has been reported in individuals affected with Wilson disease, with at least one individual confirmed to carry this variant in compound heterozygosity with another pathogenic variant in ATP7B (PMID: 17317524, 23518715, 27398169, 34240825, 34400371, 34470610, 36096368DOI:10.1134/S1022795419120020). This variant has been identified in 6/280960 chromosomes in the general population by the Genome Aggregation Database (gnomAD). Loss of ATP7B function is a known mechanism of disease. Based on the available evidence, this variant is classified as Pathogenic.

Baylor Genetics
Classification: Pathogenic for Wilson disease. Last evaluated: 2024-02-28. Review status: criteria provided, single submitter. Criteria: ACMG Guidelines, 2015. Collection method: clinical testing. Allele origin: unknown.

Revvity Omics, Revvity
Classification: Pathogenic for Wilson disease. Last evaluated: 2023-08-29. Review status: criteria provided, single submitter. Criteria: ACMG Guidelines, 2015. Collection method: clinical testing. Allele origin: germline.

Fulgent Genetics
Classification: Pathogenic for Wilson disease. Last evaluated: 2021-07-16. Review status: criteria provided, single submitter. Criteria: ACMG Guidelines, 2015. Collection method: clinical testing. Allele origin: unknown.

Molecular Medicine for Neurodegenerative and Neuromuscular Diseases Unit, IRCCS Fondazione Stella Maris
Classification: Pathogenic for Spastic ataxia. Last evaluated: 2021-07-12. Review status: criteria provided, single submitter. Criteria: ACMG Guidelines, 2015. Collection method: research. Allele origin: unknown. Affected: yes.

Center for Genomics, Ann and Robert H. Lurie Children's Hospital of Chicago
Classification: Pathogenic for Wilson disease. Last evaluated: 2021-03-30. Review status: criteria provided, single submitter. Criteria: ACMG Guidelines, 2015. Collection method: clinical testing. Allele origin: germline.
Comment: ATP7B NM_000053.3 exon 5 p.Ile582Argfs*25 (1745_1746del): This variant has been reported in the literature in multiple individuals with Wilson disease (Thomas 1995 PMID:7626145, Chappuis 2007 PMID:17317524, Lepori 2007 PMID:17949296, Coffey 2013 PMID:23518715, Hua 2016 PMID:27398169). This variant is also present in 0.004% (6/128706) of European alleles in the Genome Aggregation Database. Please note, disease causing variants may be present in control databases at low frequencies, reflective of the general population, carrier status, and/or variable expressivity. This variant is present in ClinVar, with multiple labs classifying this variant as pathogenic or Likely Pathogenic (Variation ID:189112). Evolutionary conservation and computational predictive tools for this variant are limited or unavailable. This variant creates a premature stop codon 25 amino acids downstream from this location which results in an absent or abnormal protein. Loss of function variants are a known mechanism of disease for this gene (Buiakova 1999 PMID:10441329). In summary, this variant is classified as pathogenic based on the data above.

Mayo Clinic Laboratories, Mayo Clinic
Classification: Pathogenic. Last evaluated: 2020-12-04. Review status: criteria provided, single submitter. Criteria: ACMG Guidelines, 2015. Collection method: clinical testing. Allele origin: germline. Observed: 1 variant allele.
Comment: PVS1, PS4_moderate, PM2, PP4

Laboratory for Molecular Medicine, Mass General Brigham Personalized Medicine
Classification: Pathogenic for Wilson disease. Last evaluated: 2020-06-11. Review status: criteria provided, single submitter. Criteria: ACMG Guidelines, 2015. Collection method: clinical testing. Allele origin: germline.
Comment: The p.Ile582ArgfsX25 variant in ATP7B has been reported in at least 4 individuals with Wilson disease who were compound heterozygous for a second pathogenic variant (Coffey 2013, Hua 2016, Lepori 2007, Loudianos 1999, Thomas 1995). It has been identified in 0.005% (7/128706) of European chromosomes by gnomAD. This variant is predicted to cause a frameshift, which alters the protein’s amino acid sequence beginning at position 582 and leads to a premature termination codon 25 amino acids downstream. This alteration is then predicted to lead to a truncated or absent protein. Loss of function of the ATP7B gene is an established disease mechanism in autosomal recessive Wilson disease. In summary, this variant meets criteria to be classified as pathogenic for autosomal recessive Wilson disease. ACMG/AMP Criteria applied: PVS1, PM3_Strong, PM2, PP4.

Ambry Genetics
Classification: Pathogenic for Inborn genetic diseases. Last evaluated: 2017-01-25. Review status: criteria provided, single submitter. Criteria: Ambry Variant Classification Scheme 2023. Collection method: clinical testing. Allele origin: germline.
Comment: The c.1745_1746delTA pathogenic mutation, located in coding exon 5 of the ATP7B gene, results from a deletion of two nucleotides at nucleotide positions 1745 to 1746, causing a translational frameshift with a predicted alternate stop codon (p.I582Rfs*25). This mutation has been detected in multiple individuals with Wilson disease (Chappuis P et al. J Trace Elem Med Biol, 2007 Jan;21:37-42; Coffey AJ et al. Brain, 2013 May;136:1476-87; Hua R et al. Am J Transl Res, 2016 Jun;8:2851-61). In addition to the clinical data presented in the literature, this alteration is expected to result in loss of function by premature protein truncation or nonsense-mediated mRNA decay. As such, this alteration is interpreted as a disease-causing mutation.

Eurofins Ntd Llc (ga)
Classification: Pathogenic. Last evaluated: 2016-04-28. Review status: criteria provided, single submitter. Criteria: EGL Classification Definitions 2015. Collection method: clinical testing. Allele origin: germline. Observed: 1 variant allele, 1 heterozygote.

Clinical Genetics Service, Universitary Hospital 12 de Octubre
Classification: Pathogenic for Wilson disease. Review status: criteria provided, single submitter. Criteria: ACMG Guidelines, 2015. Collection method: clinical testing. Allele origin: paternal. Affected: yes.

Counsyl
Classification: Likely pathogenic for Wilson's disease. Last evaluated: 2014-12-31. Review status: no assertion criteria provided. Collection method: literature only. Allele origin: unknown. Inheritance: Autosomal recessive inheritance. Not counted in ClinVar's aggregate classification.

Literature cited by the submitters: PubMed 23518715 (cited by 8 submitters); PubMed 10441329 (cited by Labcorp Genetics (formerly Invitae), Labcorp); PubMed 16283883 (cited by Labcorp Genetics (formerly Invitae), Labcorp); PubMed 17317524 (cited by 6 submitters); PubMed 17949296 (cited by 4 submitters); PubMed 27398169 (cited by 6 submitters); PubMed 34240825 (cited by All of Us Research Program, National Institutes of Health and Color Diagnostics, LLC DBA Color Health); PubMed 34400371 (cited by All of Us Research Program, National Institutes of Health and Color Diagnostics, LLC DBA Color Health); PubMed 34470610 (cited by All of Us Research Program, National Institutes of Health and Color Diagnostics, LLC DBA Color Health); PubMed 36096368 (cited by Color Diagnostics, LLC DBA Color Health); PubMed 7626145 (cited by Mayo Clinic Laboratories, Mayo Clinic and Laboratory for Molecular Medicine, Mass General Brigham Personalized Medicine); PubMed 10544227 (cited by Laboratory for Molecular Medicine, Mass General Brigham Personalized Medicine and Counsyl).

NM_000053.4(ATP7B):c.1745_1746del (p.Ile582fs)

Gene: ATP7B (ATPase copper transporting beta; minus strand). Cytogenetic location: 13q14.3.
Variant type: Deletion.
Coding change: c.1745_1746del on transcript NM_000053.4 (MANE Select); coding-DNA positions 1745 to 1746, 2 bases deleted (TA; older notation c.1745_1746delTA).
Protein change: p.Ile582fs; shifts the reading frame from isoleucine 582.
Molecular consequence: frameshift variant.
Genome position (GRCh38, 1-based): chr13:51,964,995-51,964,996, TA deleted on the plus strand (TA on the coding strand, the reverse complement: ATP7B is on the minus strand); deleting any 2 consecutive bases within chr13:51,964,995-51,964,997 gives the same sequence; the c. name uses the placement nearest the transcript's 3' end. VCF-style (leftmost placement, unchanged base first): chr13-51964994-CTA-C. GRCh37 (hg19) VCF-style: chr13-52539130-CTA-C.
Other names: c.1745_1746del (NM_000053.3); c.1745_1746del, p.Ile582fs (NM_001005918.3, NM_001330578.2, NM_001330579.2); c.1412_1413del, p.Ile471fs (NM_001243182.2); c.1745_1746delTA (NM_000053.4); short protein forms I471fs, I582fs.
Identifiers: ClinVar variation 189112 (VCV000189112.36), dbSNP rs753962912, ClinGen allele CA274391.